The following is an entry in ClinVar:

NM_020822.3(KCNT1):c.2971A>G (p.Ile991Val)

Gene: KCNT1 (potassium sodium-activated channel subfamily T member 1; plus strand). Cytogenetic location: 9q34.3.
Variant type: single nucleotide variant.
Coding change: c.2971A>G on transcript NM_020822.3 (MANE Select); coding-DNA position 2971, A replaced by G.
Protein change: p.Ile991Val; replaces isoleucine 991 with valine.
Molecular consequence: missense variant.
Genome position (GRCh38, 1-based): chr9:135,784,562, A>G. VCF-style: chr9-135784562-A-G. GRCh37 (hg19) VCF-style: chr9-138676408-A-G.
Other names: c.2836A>G, p.Ile946Val (NM_001272003.2); short protein forms I946V, I991V.
Identifiers: ClinVar variation 1412032 (VCV001412032.9), dbSNP rs757503542, ClinGen allele CA5327546.

ClinVar aggregate classification (germline): Uncertain significance. Review status: criteria provided, multiple submitters, no conflicts (2 of 4 stars). 3 submissions from 3 submitters: Uncertain significance (3). Last evaluated 2025-04-10.

Conditions:
Developmental and epileptic encephalopathy, 14 (DEE14). Also called: Early infantile epileptic encephalopathy 14. Identifiers: Orphanet 293181, MedGen C3554195, MONDO:0013989, OMIM 614959.
Autosomal dominant nocturnal frontal lobe epilepsy 5. Also called: CILIARY DYSKINESIA, PRIMARY, 28, WITHOUT SITUS INVERSUS; CILIARY DYSKINESIA, PRIMARY, 28, WITH SITUS INVERSUS; Epilepsy, nocturnal frontal lobe, 5; KCNT1-Related Epilepsy. Identifiers: Orphanet 98784, MedGen C3554306, MONDO:0014002, OMIM 615005.

Allele frequency attached by ClinVar (database versions not stated): gnomAD exomes below 0.00001 and 0.00001; ExAC 0.00002.
gnomAD v4.1: 1 of 1,418,194 alleles (0.000071%); highest among the groups gnomAD compares: Non-Finnish European, 0.000094%; no homozygotes.

Submissions (3):

Dasa
Classification: Uncertain significance. Last evaluated: 2025-04-10. Review status: criteria provided, single submitter. Criteria: DASA Assertion Criteria. Collection method: clinical testing. Allele origin: germline.
Comment: NM_020822.3(KCNT1):c.2971A>G (p.Ile991Val) is a missense variant that results in the substitution of isoleucine with valine. This variant is rare in population databases. Computational prediction algorithms are consistent with a benign effect. The currently available literature and clinical evidence are not sufficient to establish a definitive association between this variant and the reported condition. Therefore, this variant is classified as a variant of uncertain significance.

Labcorp Genetics (formerly Invitae), Labcorp
Classification: Uncertain significance for Autosomal dominant nocturnal frontal lobe epilepsy 5; Developmental and epileptic encephalopathy, 14. Last evaluated: 2024-10-22. Review status: criteria provided, single submitter. Criteria: Invitae Variant Classification Sherloc (09022015). Collection method: clinical testing. Allele origin: germline.
Comment: This sequence change replaces isoleucine, which is neutral and non-polar, with valine, which is neutral and non-polar, at codon 991 of the KCNT1 protein (p.Ile991Val). This variant is present in population databases (rs757503542, gnomAD 0.002%). This variant has not been reported in the literature in individuals affected with KCNT1-related conditions. ClinVar contains an entry for this variant (Variation ID: 1412032). Invitae Evidence Modeling of protein sequence and biophysical properties (such as structural, functional, and spatial information, amino acid conservation, physicochemical variation, residue mobility, and thermodynamic stability) indicates that this missense variant is not expected to disrupt KCNT1 protein function with a negative predictive value of 80%. In summary, the available evidence is currently insufficient to determine the role of this variant in disease. Therefore, it has been classified as a Variant of Uncertain Significance.

Blueprint Genetics
Classification: Uncertain significance. Last evaluated: 2020-03-20. Review status: criteria provided, single submitter. Criteria: ACMG Guidelines, 2015. Collection method: clinical testing. Allele origin: germline.